The following is an entry in ClinVar:

ClinVar aggregate classification (germline): Uncertain significance (1 of 4 stars; one submission).

gnomAD v4.1: 1 of 1,614,194 alleles (0.000062%); highest among the groups gnomAD compares: Non-Finnish European, 0.000085%; no homozygotes.

Submission:

GeneDx
Classification: Uncertain significance. Last evaluated: 2024-10-20. Review status: criteria provided, single submitter. Criteria: GeneDx Variant Classification Process June 2021. Collection method: clinical testing. Allele origin: germline. Affected: yes.
Comment: Not observed at significant frequency in large population cohorts (gnomAD); In silico analysis indicates that this missense variant does not alter protein structure/function; Has not been previously published as pathogenic or benign to our knowledge

NM_001020658.2(PUM1):c.1993T>A (p.Ser665Thr)

Gene: PUM1 (pumilio RNA binding family member 1; minus strand). Cytogenetic location: 1p35.2.
Variant type: single nucleotide variant.
Coding change: c.1993T>A on transcript NM_001020658.2 (MANE Select); coding-DNA position 1993, T replaced by A.
Protein change: p.Ser665Thr; replaces serine 665 with threonine.
Molecular consequence: missense variant.
Genome position (GRCh38, 1-based): chr1:30,966,075, A>T on the plus strand (T>A on the coding strand, the complement: PUM1 is on the minus strand). VCF-style: chr1-30966075-A-T. GRCh37 (hg19) VCF-style: chr1-31438922-A-T.
Other names: c.1993T>A, p.Ser665Thr (NM_014676.3); short protein forms S665T.
Identifiers: ClinVar variation 3781282 (VCV003781282.1).